The following is an entry in ClinVar:

ClinVar aggregate classification (germline): Uncertain significance. Review status: criteria provided, multiple submitters, no conflicts (2 of 4 stars). 2 submissions from 2 submitters: Uncertain significance (2). Last evaluated 2025-11-08.

Conditions:
Hypertrophic cardiomyopathy. Also called: HYPERTROPHIC MYOCARDIOPATHY. Identifiers: Orphanet 217569, MedGen C0007194, MeSH D002312, MONDO:0005045, HP:0001639.

Allele frequency attached by ClinVar (database versions not stated): gnomAD exomes 0.00003 and 0.00002; TOPMed 0.00004; ESP Exome Variant Server 0.00008; gnomAD 0.00002; ExAC 0.00003.
gnomAD v4.1: 36 of 1,611,190 alleles (0.0022%); highest among the groups gnomAD compares: Non-Finnish European, 0.0028%; no homozygotes.

Submissions (2):

Labcorp Genetics (formerly Invitae), Labcorp
Classification: Uncertain significance for Hypertrophic cardiomyopathy. Last evaluated: 2025-11-08. Review status: criteria provided, single submitter. Criteria: Invitae Variant Classification Sherloc (09022015). Collection method: clinical testing. Allele origin: germline.
Comment: This sequence change replaces arginine, which is basic and polar, with cysteine, which is neutral and slightly polar, at codon 1114 of the MYOM1 protein (p.Arg1114Cys). This variant is present in population databases (rs369479850, gnomAD 0.005%). This variant has not been reported in the literature in individuals affected with MYOM1-related conditions. ClinVar contains an entry for this variant (Variation ID: 1038814). Invitae Evidence Modeling of protein sequence and biophysical properties (such as structural, functional, and spatial information, amino acid conservation, physicochemical variation, residue mobility, and thermodynamic stability) has been performed for this missense variant. However, the output from this modeling did not meet the statistical confidence thresholds required to predict the impact of this variant on MYOM1 protein function. In summary, the available evidence is currently insufficient to determine the role of this variant in disease. Therefore, it has been classified as a Variant of Uncertain Significance.

Ambry Genetics
Classification: Uncertain significance. Last evaluated: 2025-05-24. Review status: criteria provided, single submitter. Criteria: Ambry Variant Classification Scheme 2023. Collection method: clinical testing. Allele origin: germline.
Comment: The p.R1114C variant (also known as c.3340C>T), located in coding exon 21 of the MYOM1 gene, results from a C to T substitution at nucleotide position 3340. The arginine at codon 1114 is replaced by cysteine, an amino acid with highly dissimilar properties. This amino acid position is conserved. In addition, this alteration is predicted to be deleterious by in silico analysis. Since supporting evidence is limited at this time, the clinical significance of this alteration remains unclear.

NM_003803.4(MYOM1):c.3340C>T (p.Arg1114Cys)

Gene: MYOM1 (myomesin 1; minus strand). Cytogenetic location: 18p11.31.
Variant type: single nucleotide variant.
Coding change: c.3340C>T on transcript NM_003803.4 (MANE Select); coding-DNA position 3340, C replaced by T.
Protein change: p.Arg1114Cys; replaces arginine 1114 with cysteine.
Molecular consequence: missense variant.
Genome position (GRCh38, 1-based): chr18:3,112,376, G>A on the plus strand (C>T on the coding strand, the complement: MYOM1 is on the minus strand). VCF-style: chr18-3112376-G-A. GRCh37 (hg19) VCF-style: chr18-3112374-G-A.
Other names: c.3052C>T, p.Arg1018Cys (NM_019856.2); c.3340C>T (NM_003803.3); short protein forms R1018C, R1114C.
Identifiers: ClinVar variation 1038814 (VCV001038814.9), dbSNP rs369479850, ClinGen allele CA8874332.